The following is an entry in ClinVar:

ClinVar aggregate classification (germline): Uncertain significance. Review status: criteria provided, multiple submitters, no conflicts (2 of 4 stars). 2 submissions from 2 submitters: Uncertain significance (2). Last evaluated 2026-03-12.

Conditions:
Familial cancer of breast. Also called: BREAST CANCER, FAMILIAL; hereditary breast carcinoma; Hereditary breast cancer. Identifiers: Orphanet 227535, MedGen C0346153, MONDO:0016419, OMIM 114480. Disease mechanism: loss of function.

Submissions (2):

GeneDx
Classification: Uncertain significance. Last evaluated: 2026-03-12. Review status: criteria provided, single submitter. Criteria: GeneDx Variant Classification Process June 2021. Collection method: clinical testing. Allele origin: germline.
Comment: Not observed at significant frequency in large population cohorts (gnomAD); In silico analysis supports that this missense variant has a deleterious effect on protein structure/function; Has not been previously published as pathogenic or benign to our knowledge

Labcorp Genetics (formerly Invitae), Labcorp
Classification: Uncertain significance for Familial cancer of breast. Last evaluated: 2022-02-20. Review status: criteria provided, single submitter. Criteria: Invitae Variant Classification Sherloc (09022015). Collection method: clinical testing. Allele origin: germline.
Comment: In summary, the available evidence is currently insufficient to determine the role of this variant in disease. Therefore, it has been classified as a Variant of Uncertain Significance. Algorithms developed to predict the effect of missense changes on protein structure and function output the following: SIFT: "Tolerated"; PolyPhen-2: "Possibly Damaging"; Align-GVGD: "Class C0". The proline amino acid residue is found in multiple mammalian species, which suggests that this missense change does not adversely affect protein function. This variant has not been reported in the literature in individuals affected with PALB2-related conditions. This variant is not present in population databases (gnomAD no frequency). This sequence change replaces leucine, which is neutral and non-polar, with proline, which is neutral and non-polar, at codon 598 of the PALB2 protein (p.Leu598Pro).

NM_024675.4(PALB2):c.1793T>C (p.Leu598Pro)

Gene: PALB2 (partner and localizer of BRCA2; minus strand). Cytogenetic location: 16p12.2.
Variant type: single nucleotide variant.
Coding change: c.1793T>C on transcript NM_024675.4 (MANE Select); coding-DNA position 1793, T replaced by C.
Protein change: p.Leu598Pro; replaces leucine 598 with proline.
Molecular consequence: missense variant.
Genome position (GRCh38, 1-based): chr16:23,630,361, A>G on the plus strand (T>C on the coding strand, the complement: PALB2 is on the minus strand). VCF-style: chr16-23630361-A-G. GRCh37 (hg19) VCF-style: chr16-23641682-A-G.
Other names: c.5T>C, p.Leu2Pro (NM_001407312.1, NM_001407313.1); c.1733T>C, p.Leu578Pro (NM_001407296.1); c.1793T>C, p.Leu598Pro (NM_001407297.1, NM_001407298.1, NM_001407299.1 and 3 more transcripts); c.908T>C, p.Leu303Pro (NM_001407304.1, NM_001407305.1, NM_001407306.1 and 5 more transcripts); short protein forms L2P, L598P, L303P, L578P.
Identifiers: ClinVar variation 2100370 (VCV002100370.5), dbSNP rs2142389109, ClinGen allele CA395128081.